The following is an entry in ClinVar:

NM_001042492.3(NF1):c.2429dup (p.Thr811fs)

Gene: NF1 (neurofibromin 1; plus strand). Cytogenetic location: 17q11.2.
Variant type: Duplication.
Coding change: c.2429dup on transcript NM_001042492.3 (MANE Select); coding-DNA position 2429, one base duplicated (A; older notation c.2429dupA).
Protein change: p.Thr811fs; shifts the reading frame from threonine 811.
Molecular consequence: frameshift variant.
Genome position (GRCh38, 1-based): chr17:31,229,044, A duplicated; the last of 2 consecutive A bases (chr17:31,229,043-31,229,044); duplicating either gives the same sequence. VCF-style (leftmost placement, unchanged base first): chr17-31229042-C-CA. GRCh37 (hg19) VCF-style: chr17-29556060-C-CA.
Other names: c.2429dup, p.Thr811Aspfs (NM_000267.4); short protein forms T811fs.
Identifiers: ClinVar variation 1443005 (VCV001443005.6), dbSNP rs2151428834, ClinGen allele CA2573153286.

ClinVar aggregate classification (germline): Pathogenic (1 of 4 stars; one submission).

Conditions:
Neurofibromatosis, type 1 (NF1). Also called: NEUROFIBROMATOSIS, TYPE I, SOMATIC; VON RECKLINGHAUSEN DISEASE; Peripheral type neurofibromatosis; Neurofibromatosis, type I. Identifiers: Orphanet 636, MedGen C0027831, MONDO:0018975, OMIM 162200. Disease mechanism: loss of function.

Submission:

Labcorp Genetics (formerly Invitae), Labcorp
Classification: Pathogenic for Neurofibromatosis, type 1. Last evaluated: 2021-11-08. Review status: criteria provided, single submitter. Criteria: Invitae Variant Classification Sherloc (09022015). Collection method: clinical testing. Allele origin: germline.
Comment: For these reasons, this variant has been classified as Pathogenic. This sequence change creates a premature translational stop signal (p.Thr811Aspfs*4) in the NF1 gene. It is expected to result in an absent or disrupted protein product. Loss-of-function variants in NF1 are known to be pathogenic (PMID: 10712197, 23913538). This variant is not present in population databases (gnomAD no frequency). This variant has not been reported in the literature in individuals affected with NF1-related conditions.

Literature cited by the submitters: PubMed 10712197; PubMed 23913538.